The following is an entry in ClinVar:

NM_020750.3(XPO5):c.2967C>A (p.Pro989=)

Genes: POLR1C (RNA polymerase I and III subunit C; plus strand), XPO5 (exportin 5; minus strand). Cytogenetic location: 6p21.1.
Variant type: single nucleotide variant.
Coding change: c.2967C>A on transcript NM_020750.3 (MANE Select); coding-DNA position 2967, C replaced by A.
Protein change: p.Pro989=; no amino-acid change (proline 989 retained).
Molecular consequence: synonymous variant. On other transcripts: non-coding transcript variant (1), intron variant (2).
Genome position (GRCh38, 1-based): chr6:43,526,701, G>T on the plus strand (C>A on the coding strand, the complement: XPO5 is on the minus strand). VCF-style: chr6-43526701-G-T. GRCh37 (hg19) VCF-style: chr6-43494439-G-T.
Other names: c.922+5653G>T (NM_001363658.2); c.923-2548G>T (NM_001318876.2).
Identifiers: ClinVar variation 3058191 (VCV003058191.11), dbSNP rs376843416, ClinGen allele CA3825934.

ClinVar aggregate classification (germline): Likely benign. Review status: criteria provided, multiple submitters, no conflicts (2 of 4 stars). 3 submissions from 3 submitters: Likely benign (2). 1 of the submissions does not count toward it. Last evaluated 2025-09-01.

Conditions:
XPO5-related disorder. Also called: XPO5-related condition.

Allele frequency attached by ClinVar (database versions not stated): ESP Exome Variant Server 0.00024; gnomAD 0.00011; ExAC 0.00007; TOPMed 0.00012.
gnomAD v4.1: 297 of 1,613,806 alleles (0.018%); highest among the groups gnomAD compares: Non-Finnish European, 0.023%; no homozygotes.

Submissions (3):

CeGaT Center for Human Genetics Tuebingen
Classification: Likely benign. Last evaluated: 2025-09-01. Review status: criteria provided, single submitter. Criteria: CeGaT Center For Human Genetics Tuebingen Variant Classification Criteria Version 2. Collection method: clinical testing. Allele origin: germline. Affected: yes. Observed: 1 variant allele.
Comment: XPO5: BP4, BP7

Labcorp Genetics (formerly Invitae), Labcorp
Classification: Likely benign. Last evaluated: 2025-06-24. Review status: criteria provided, single submitter. Criteria: Invitae Variant Classification Sherloc (09022015). Collection method: clinical testing. Allele origin: germline.

PreventionGenetics, part of Exact Sciences
Classification: Likely benign for XPO5-related condition. Last evaluated: 2024-02-13. Review status: no assertion criteria provided. Collection method: clinical testing. Allele origin: germline. Not counted in ClinVar's aggregate classification.
Comment: This variant is classified as likely benign based on ACMG/AMP sequence variant interpretation guidelines (Richards et al. 2015 PMID: 25741868, with internal and published modifications).